The following is an entry in ClinVar:

NM_001378418.1(TCF20):c.1672T>C (p.Ser558Pro)

Gene: TCF20 (transcription factor 20; minus strand). Cytogenetic location: 22q13.2.
Variant type: single nucleotide variant.
Coding change: c.1672T>C on transcript NM_001378418.1 (MANE Select); coding-DNA position 1672, T replaced by C.
Protein change: p.Ser558Pro; replaces serine 558 with proline.
Molecular consequence: missense variant.
Genome position (GRCh38, 1-based): chr22:42,213,634, A>G on the plus strand (T>C on the coding strand, the complement: TCF20 is on the minus strand). VCF-style: chr22-42213634-A-G. GRCh37 (hg19) VCF-style: chr22-42609640-A-G.
Other names: c.1672T>C, p.Ser558Pro (NM_005650.4, NM_181492.3); short protein forms S558P.
Identifiers: ClinVar variation 2009701 (VCV002009701.4), dbSNP rs2518234131, ClinGen allele CA411790307.

ClinVar aggregate classification (germline): Uncertain significance (1 of 4 stars; one submission).

Submission:

Labcorp Genetics (formerly Invitae), Labcorp
Classification: Uncertain significance. Last evaluated: 2022-07-03. Review status: criteria provided, single submitter. Criteria: Invitae Variant Classification Sherloc (09022015). Collection method: clinical testing. Allele origin: germline.
Comment: This variant is not present in population databases (gnomAD no frequency). This variant has not been reported in the literature in individuals affected with TCF20-related conditions. Algorithms developed to predict the effect of missense changes on protein structure and function output the following: SIFT: "Tolerated"; PolyPhen-2: "Benign"; Align-GVGD: "Class C0". The proline amino acid residue is found in multiple mammalian species, which suggests that this missense change does not adversely affect protein function. In summary, the available evidence is currently insufficient to determine the role of this variant in disease. Therefore, it has been classified as a Variant of Uncertain Significance. This sequence change replaces serine, which is neutral and polar, with proline, which is neutral and non-polar, at codon 558 of the TCF20 protein (p.Ser558Pro).